The following is an entry in ClinVar:

NM_206933.4(USH2A):c.9093C>G (p.Ile3031Met)

Gene: USH2A (usherin; minus strand). Cytogenetic location: 1q41.
Variant type: single nucleotide variant.
Coding change: c.9093C>G on transcript NM_206933.4 (MANE Select); coding-DNA position 9093, C replaced by G.
Protein change: p.Ile3031Met; replaces isoleucine 3031 with methionine.
Molecular consequence: missense variant.
Genome position (GRCh38, 1-based): chr1:215,844,459, G>C on the plus strand (C>G on the coding strand, the complement: USH2A is on the minus strand). VCF-style: chr1-215844459-G-C. GRCh37 (hg19) VCF-style: chr1-216017801-G-C.
Other names: short protein forms I3031M.
Identifiers: ClinVar variation 835001 (VCV000835001.8), dbSNP rs774531184, ClinGen allele CA1394406.
Genomic context (GRCh38, chr1:215,844,459, plus strand): 5'-AGTGACAACACCATTTGGGTTTGAAGGAGATGTCCAGATGACACGTACAGCTGTACTGTT[G>C]ATGATGACAACCTCTGGAGGAAGCATGCCCTGAGGCTCTAGAATTAAAGGAAGAAACTGA-3'
Protein context (NP_996816.3, residues 3021-3041): QGMLPPEVVI[Ile3031Met]NSTAVRVIWT

ClinVar aggregate classification (germline): Uncertain significance. Review status: criteria provided, multiple submitters, no conflicts (2 of 4 stars). 3 submissions from 3 submitters: Uncertain significance (3). Last evaluated 2025-04-18.

Conditions:
Inborn genetic diseases. Identifiers: MedGen C0950123, MeSH D030342.

Allele frequency attached by ClinVar (database versions not stated): gnomAD exomes below 0.00001 and 0.00002; ExAC 0.00001; gnomAD 0.00001; TOPMed 0.00001.
gnomAD v4.1: 27 of 1,611,960 alleles (0.0017%); highest among the groups gnomAD compares: Non-Finnish European, 0.0023%; no homozygotes.

Submissions (3):

Ambry Genetics
Classification: Uncertain significance for Inborn genetic diseases. Last evaluated: 2025-04-18. Review status: criteria provided, single submitter. Criteria: Ambry Variant Classification Scheme 2023. Collection method: clinical testing. Allele origin: germline.

Blueprint Genetics
Classification: Uncertain significance. Last evaluated: 2023-06-02. Review status: criteria provided, single submitter. Criteria: ACMG Guidelines, 2015. Collection method: clinical testing. Allele origin: germline.

Labcorp Genetics (formerly Invitae), Labcorp
Classification: Uncertain significance. Last evaluated: 2022-09-13. Review status: criteria provided, single submitter. Criteria: Invitae Variant Classification Sherloc (09022015). Collection method: clinical testing. Allele origin: germline.
Comment: This sequence change replaces isoleucine, which is neutral and non-polar, with methionine, which is neutral and non-polar, at codon 3031 of the USH2A protein (p.Ile3031Met). The frequency data for this variant in the population databases is considered unreliable, as metrics indicate poor data quality at this position in the gnomAD database. This variant has not been reported in the literature in individuals affected with USH2A-related conditions. ClinVar contains an entry for this variant (Variation ID: 835001). Advanced modeling of protein sequence and biophysical properties (such as structural, functional, and spatial information, amino acid conservation, physicochemical variation, residue mobility, and thermodynamic stability) performed at Invitae indicates that this missense variant is not expected to disrupt USH2A protein function. In summary, the available evidence is currently insufficient to determine the role of this variant in disease. Therefore, it has been classified as a Variant of Uncertain Significance.